The following is an entry in ClinVar:

NM_000256.3(MYBPC3):c.1404G>A (p.Gly468=)

Gene: MYBPC3 (myosin binding protein C3; minus strand). Cytogenetic location: 11p11.2.
Variant type: single nucleotide variant.
Coding change: c.1404G>A on transcript NM_000256.3 (MANE Select); coding-DNA position 1404, G replaced by A.
Protein change: p.Gly468=; no amino-acid change (glycine 468 retained).
Molecular consequence: synonymous variant.
Genome position (GRCh38, 1-based): chr11:47,342,883, C>T on the plus strand (G>A on the coding strand, the complement: MYBPC3 is on the minus strand). VCF-style: chr11-47342883-C-T. GRCh37 (hg19) VCF-style: chr11-47364434-C-T.
Identifiers: ClinVar variation 796236 (VCV000796236.16), dbSNP rs1595846367, ClinGen allele CA474429460.

ClinVar aggregate classification (germline): Benign/Likely benign. Review status: criteria provided, multiple submitters, no conflicts (2 of 4 stars). 5 submissions from 5 submitters: Benign (1); Likely benign (4). Last evaluated 2024-08-06.

Conditions:
Cardiovascular phenotype. Identifiers: MedGen CN230736.
Cardiomyopathy (CMYO). Also called: Cardiomyopathies. Identifiers: Orphanet 167848, MedGen C0878544, MONDO:0004994, HP:0001638. Inheritance: Various modes of inheritance.
Hypertrophic cardiomyopathy. Also called: HYPERTROPHIC MYOCARDIOPATHY. Identifiers: Orphanet 217569, MedGen C0007194, MeSH D002312, MONDO:0005045, HP:0001639.

gnomAD v4.1: 2 of 1,612,942 alleles (0.00012%); highest among the groups gnomAD compares: Non-Finnish European, 0.00017%; no homozygotes.

Submissions (5):

All of Us Research Program, National Institutes of Health
Classification: Likely benign for Hypertrophic cardiomyopathy. Last evaluated: 2024-08-06. Review status: criteria provided, single submitter. Criteria: ACMG Guidelines, 2015. Collection method: clinical testing. Allele origin: germline. Inheritance: Autosomal dominant inheritance. Observed: 1 variant allele, 1 heterozygote.
Comment: This study involves interpretation of variants in research participants for the purpose of population health screening. Participant phenotype was not available at the time of variant classification. Additional details can be found in publication PMID: 35346344, PMCID: PMC8962531

Labcorp Genetics (formerly Invitae), Labcorp
Classification: Likely benign for Hypertrophic cardiomyopathy. Last evaluated: 2022-05-03. Review status: criteria provided, single submitter. Criteria: Invitae Variant Classification Sherloc (09022015). Collection method: clinical testing. Allele origin: germline.

Ambry Genetics
Classification: Likely benign for Cardiovascular phenotype. Last evaluated: 2020-09-08. Review status: criteria provided, single submitter. Criteria: Ambry Variant Classification Scheme 2023. Collection method: clinical testing. Allele origin: germline.

Color Diagnostics, LLC DBA Color Health
Classification: Likely benign for Cardiomyopathy. Last evaluated: 2019-09-16. Review status: criteria provided, single submitter. Criteria: ACMG Guidelines, 2015. Collection method: clinical testing. Allele origin: germline.

GeneDx
Classification: Benign. Last evaluated: 2015-03-03. Review status: criteria provided, single submitter. Criteria: GeneDx Variant Classification Process June 2021. Collection method: clinical testing. Allele origin: germline. Affected: yes.